The following is an entry in ClinVar:

ClinVar aggregate classification (germline): Likely pathogenic (1 of 4 stars; one submission).

Conditions:
SHANK3-related disorder. Also called: SHANK3-related condition.

Submission:

PreventionGenetics, part of Exact Sciences
Classification: Likely pathogenic for SHANK3-related condition. Last evaluated: 2022-12-16. Review status: criteria provided, single submitter. Criteria: ACMG Guidelines, 2015. Collection method: clinical testing. Allele origin: germline.
Comment: The SHANK3 c.5099_5109del11 variant is predicted to result in a frameshift and premature protein termination (p.Pro1700Glnfs*135). To our knowledge, this variant has not been reported in the literature or in a large population database, indicating this variant is rare. Frameshift variants in this region of SHANK3 are often reported as de novo findings, and expected to be pathogenic. This variant is interpreted as likely pathogenic.

NM_001372044.2(SHANK3):c.5324_5334del (p.Pro1775fs)

Gene: SHANK3 (SH3 and multiple ankyrin repeat domains 3; plus strand). Cytogenetic location: 22q13.33.
Variant type: Deletion.
Coding change: c.5324_5334del on transcript NM_001372044.2 (MANE Select); coding-DNA positions 5324 to 5334, 11 bases deleted (CCGCGCTTACC).
Protein change: p.Pro1775fs; shifts the reading frame from proline 1775.
Molecular consequence: frameshift variant.
Genome position (GRCh38, 1-based): chr22:50,731,215-50,731,225, CCGCGCTTACC deleted; deleting any 11 consecutive bases within chr22:50,731,214-50,731,225 gives the same sequence; the c. name uses the placement nearest the transcript's 3' end. VCF-style (leftmost placement, unchanged base first): chr22-50731213-ACCCGCGCTTAC-A. GRCh37 (hg19) VCF-style: chr22-51169641-ACCCGCGCTTAC-A.
Other names: c.5099_5109del11 (NM_033517.1); short protein forms P1775fs.
Identifiers: ClinVar variation 2629717 (VCV002629717.1), dbSNP rs2518439821, ClinGen allele CA2695200147.